The following is an entry in ClinVar:

ClinVar aggregate classification (germline): Likely benign. Review status: reviewed by expert panel (3 of 4 stars). 6 submissions from 6 submitters: Likely benign (1). 5 of the submissions do not count toward it. Last evaluated 2021-03-26.

Conditions:
SLC9A6-related disorder. Also called: SLC9A6-related condition.
Inborn genetic diseases. Identifiers: MedGen C0950123, MeSH D030342.
Christianson syndrome (MRXSCH). Also called: SLC9A6-Related Syndromic Mental Retardation; X-linked mental retardation, syndromic, Christianson type; INTELLECTUAL DEVELOPMENTAL DISORDER, X-LINKED, SYNDROMIC, CHRISTIANSON TYPE. Identifiers: Orphanet 85278, MedGen C2678194, MONDO:0010278, OMIM 300243.

Allele frequency attached by ClinVar (database versions not stated): ExAC 0.00006; gnomAD exomes 0.00006 and 0.00007; gnomAD 0.00008 and 0.00009; ESP Exome Variant Server 0.00019; TOPMed 0.00022.
gnomAD v4.1: 75 of 1,209,921 alleles (0.0062%); highest among the groups gnomAD compares: Admixed American, 0.02%; no homozygotes.

Submissions (6):

ClinGen Rett and Angelman-like Disorders Variant Curation Expert Panel
Classification: Likely benign for Christianson syndrome. Last evaluated: 2021-03-26. Review status: reviewed by expert panel. Criteria: ClinGen RettAS ACMG Specifications V1. Collection method: curation. Allele origin: germline. Inheritance: X-linked inheritance.
Comment: The allele frequency of the p.Ala50Ser variant in SLC9A6 is 0.02% in African sub population in gnomAD, which is high enough to be classified as likely benign based on thresholds defined by the ClinGen Rett/Angelman-like Expert Panel for Rett/AS-like conditions (BS1). Computational analysis prediction tools suggest that the p.Ala50Ser variant does not have a deleterious impact; however this information does not predict clinical significance on its own (BP4). In summary, the p.Ala50Ser variant in SLC9A6 is classified as likely benign based on the ACMG/AMP criteria (BS1, BP4).

Labcorp Genetics (formerly Invitae), Labcorp
Classification: Likely benign for Christianson syndrome. Last evaluated: 2025-08-05. Review status: criteria provided, single submitter. Criteria: Invitae Variant Classification Sherloc (09022015). Collection method: clinical testing. Allele origin: germline. Not counted in ClinVar's aggregate classification.

Blueprint Genetics
Classification: Likely benign. Last evaluated: 2024-10-18. Review status: criteria provided, single submitter. Criteria: ACMG Guidelines, 2015. Collection method: clinical testing. Allele origin: germline. Not counted in ClinVar's aggregate classification.

GeneDx
Classification: Likely benign. Last evaluated: 2020-11-02. Review status: criteria provided, single submitter. Criteria: GeneDx Variant Classification Process June 2021. Collection method: clinical testing. Allele origin: germline. Affected: yes. Not counted in ClinVar's aggregate classification.

Ambry Genetics
Classification: Likely benign for Inborn genetic diseases. Last evaluated: 2019-03-07. Review status: criteria provided, single submitter. Criteria: Ambry Variant Classification Scheme 2023. Collection method: clinical testing. Allele origin: germline. Not counted in ClinVar's aggregate classification.

PreventionGenetics, part of Exact Sciences
Classification: Likely benign for SLC9A6-related condition. Last evaluated: 2023-06-20. Review status: no assertion criteria provided. Collection method: clinical testing. Allele origin: germline. Not counted in ClinVar's aggregate classification.
Comment: This variant is classified as likely benign based on ACMG/AMP sequence variant interpretation guidelines (Richards et al. 2015 PMID: 25741868, with internal and published modifications).

NM_001379110.1(SLC9A6):c.-9G>T

Gene: SLC9A6 (solute carrier family 9 member A6; plus strand). Cytogenetic location: Xq26.3.
Variant type: single nucleotide variant.
Coding change: c.-9G>T on transcript NM_001379110.1 (MANE Select); 9 bases upstream of the start codon, G replaced by T.
Molecular consequence: 5 prime UTR variant. On other transcripts: missense variant (2).
Genome position (GRCh38, 1-based): chrX:135,985,650, G>T. VCF-style: chrX-135985650-G-T. GRCh37 (hg19) VCF-style: chrX-135067809-G-T.
Other names: p.A50S:GCT>TCT; c.148G>T, p.Ala50Ser (NM_001042537.2, NM_006359.3); c.-9G>T (NM_001177651.2, NM_001330652.2); short protein forms A50S.
Identifiers: ClinVar variation 207247 (VCV000207247.22), dbSNP rs367724979, ClinGen allele CA318535.